The following is an entry in ClinVar:

NM_014727.3(KMT2B):c.1640T>C (p.Met547Thr)

Gene: KMT2B (lysine methyltransferase 2B; plus strand). Cytogenetic location: 19q13.12.
Variant type: single nucleotide variant.
Coding change: c.1640T>C on transcript NM_014727.3 (MANE Select); coding-DNA position 1640, T replaced by C.
Protein change: p.Met547Thr; replaces methionine 547 with threonine.
Molecular consequence: missense variant.
Genome position (GRCh38, 1-based): chr19:35,720,987, T>C. VCF-style: chr19-35720987-T-C. GRCh37 (hg19) VCF-style: chr19-36211889-T-C.
Other names: short protein forms M547T.
Identifiers: ClinVar variation 1719695 (VCV001719695.5), dbSNP rs2513315893, ClinGen allele CA405392658.

ClinVar aggregate classification (germline): Uncertain significance (1 of 4 stars; one submission).

Submission:

Labcorp Genetics (formerly Invitae), Labcorp
Classification: Uncertain significance. Last evaluated: 2022-09-18. Review status: criteria provided, single submitter. Criteria: Invitae Variant Classification Sherloc (09022015). Collection method: clinical testing. Allele origin: germline.
Comment: In summary, the available evidence is currently insufficient to determine the role of this variant in disease. Therefore, it has been classified as a Variant of Uncertain Significance. This sequence change replaces methionine, which is neutral and non-polar, with threonine, which is neutral and polar, at codon 547 of the KMT2B protein (p.Met547Thr). This variant is not present in population databases (gnomAD no frequency). This variant has not been reported in the literature in individuals affected with KMT2B-related conditions. Advanced modeling of protein sequence and biophysical properties (such as structural, functional, and spatial information, amino acid conservation, physicochemical variation, residue mobility, and thermodynamic stability) has been performed at Invitae for this missense variant, however the output from this modeling did not meet the statistical confidence thresholds required to predict the impact of this variant on KMT2B protein function.